The following is an entry in ClinVar:

ClinVar aggregate classification (germline): Uncertain significance (1 of 4 stars; one submission).

Conditions:
PIEZO1-related disorder. Also called: PIEZO1-related condition; PIEZO1-Related Disorders.

Submission:

PreventionGenetics, part of Exact Sciences
Classification: Uncertain significance for PIEZO1-related condition. Last evaluated: 2022-08-18. Review status: criteria provided, single submitter. Criteria: ACMG Guidelines, 2015. Collection method: clinical testing. Allele origin: germline.
Comment: The PIEZO1 c.428C>G variant is predicted to result in the amino acid substitution p.Ala143Gly. To our knowledge, this variant has not been reported in the literature or in a large population database, indicating this variant is rare. At this time, the clinical significance of this variant is uncertain due to the absence of conclusive functional and genetic evidence.

NM_001142864.4(PIEZO1):c.428C>G (p.Ala143Gly)

Gene: PIEZO1 (piezo type mechanosensitive ion channel component 1 (Er blood group); minus strand). Cytogenetic location: 16q24.3.
Variant type: single nucleotide variant.
Coding change: c.428C>G on transcript NM_001142864.4 (MANE Select); coding-DNA position 428, C replaced by G.
Protein change: p.Ala143Gly; replaces alanine 143 with glycine.
Molecular consequence: missense variant.
Genome position (GRCh38, 1-based): chr16:88,741,515, G>C on the plus strand (C>G on the coding strand, the complement: PIEZO1 is on the minus strand). VCF-style: chr16-88741515-G-C. GRCh37 (hg19) VCF-style: chr16-88807923-G-C.
Other names: short protein forms A143G.
Identifiers: ClinVar variation 2636328 (VCV002636328.1), dbSNP rs997465407, ClinGen allele CA397123820.